The following is an entry in ClinVar:

NM_005732.4(RAD50):c.2581C>G (p.Gln861Glu)

Gene: RAD50 (RAD50 double strand break repair protein; plus strand). Cytogenetic location: 5q31.1.
Variant type: single nucleotide variant.
Coding change: c.2581C>G on transcript NM_005732.4 (MANE Select); coding-DNA position 2581, C replaced by G.
Protein change: p.Gln861Glu; replaces glutamine 861 with glutamic acid.
Molecular consequence: missense variant.
Genome position (GRCh38, 1-based): chr5:132,604,862, C>G. VCF-style: chr5-132604862-C-G. GRCh37 (hg19) VCF-style: chr5-131940554-C-G.
Other names: short protein forms Q861E.
Identifiers: ClinVar variation 1018427 (VCV001018427.12), dbSNP rs1750954067, ClinGen allele CA360956430.
Genomic context (GRCh38, chr5:132,604,862, plus strand): 5'-GTAGTTTCTAGTAAGATTGAATTGAATCGTAAGCTTATACAGGACCAGCAGGAACAGATT[C>G]AACATCTAAAAAGTACAACAAATGAGCTAAAATCTGAGAAACTTCAGATATCCACTAATT-3'
Protein context (NP_005723.2, residues 851-871): KLIQDQQEQI[Gln861Glu]HLKSTTNELK

ClinVar aggregate classification (germline): Uncertain significance. Review status: criteria provided, multiple submitters, no conflicts (2 of 4 stars). 2 submissions from 2 submitters: Uncertain significance (2). Last evaluated 2024-12-22.

Conditions:
Hereditary cancer-predisposing syndrome. Also called: Tumor predisposition; Neoplastic Syndromes, Hereditary; Hereditary neoplastic syndrome; Hereditary Cancer Syndrome. Identifiers: Orphanet 140162, MedGen C0027672, MeSH D009386, MONDO:0015356.

Allele frequency attached by ClinVar (database versions not stated): gnomAD exomes below 0.00001.
gnomAD v4.1: 1 of 1,613,546 alleles (0.000062%); highest among the groups gnomAD compares: South Asian, 0.0011%; no homozygotes.

Submissions (2):

Ambry Genetics
Classification: Uncertain significance for Hereditary cancer-predisposing syndrome. Last evaluated: 2024-12-22. Review status: criteria provided, single submitter. Criteria: Ambry Variant Classification Scheme 2023. Collection method: clinical testing. Allele origin: germline.
Comment: The p.Q861E variant (also known as c.2581C>G), located in coding exon 16 of the RAD50 gene, results from a C to G substitution at nucleotide position 2581. The glutamine at codon 861 is replaced by glutamic acid, an amino acid with highly similar properties. This amino acid position is highly conserved in available vertebrate species. In addition, the in silico prediction for this alteration is inconclusive. Since supporting evidence is limited at this time, the clinical significance of this alteration remains unclear.

Labcorp Genetics (formerly Invitae), Labcorp
Classification: Uncertain significance for Hereditary cancer-predisposing syndrome. Last evaluated: 2020-08-04. Review status: criteria provided, single submitter. Criteria: Invitae Variant Classification Sherloc (09022015). Collection method: clinical testing. Allele origin: germline.
Comment: This sequence change replaces glutamine with glutamic acid at codon 861 of the RAD50 protein (p.Gln861Glu). The glutamine residue is moderately conserved and there is a small physicochemical difference between glutamine and glutamic acid. In summary, the available evidence is currently insufficient to determine the role of this variant in disease. Therefore, it has been classified as a Variant of Uncertain Significance. Algorithms developed to predict the effect of missense changes on protein structure and function are either unavailable or do not agree on the potential impact of this missense change (SIFT: "Tolerated"; PolyPhen-2: "Possibly Damaging"; Align-GVGD: "Class C0"). This variant has not been reported in the literature in individuals with RAD50-related conditions. This variant is not present in population databases (ExAC no frequency).